The following is an entry in ClinVar:

ClinVar aggregate classification (germline): Uncertain significance (1 of 4 stars; one submission).

Conditions:
NR0B2-related disorder. Also called: NR0B2-related condition.

Submission:

PreventionGenetics, part of Exact Sciences
Classification: Uncertain significance for NR0B2-related condition. Last evaluated: 2025-06-19. Review status: criteria provided, single submitter. Criteria: ACMG Guidelines, 2015. Collection method: clinical testing. Allele origin: germline.
Comment: The NR0B2 c.41delC variant is predicted to result in a frameshift and premature protein termination (p.Ala14Valfs*12). To our knowledge, this variant has not been reported in the literature. This variant is reported in 0.0024% of alleles in individuals of European (Non-Finnish) descent in gnomAD. Although other nonsense and frameshift variants in NR0B2 have been reported in individuals with obesity (R34X and H53fsdel10 in Nishigori et al. 2001. PubMed ID: 11136233; p.Trp206X in Enya et al. 2008. PubMed ID: 18781616), to our knowledge none have been reported this early in the gene. Therefore, while we suspect that this variant may be pathogenic at this time its clinical significance is uncertain due to the absence of conclusive functional and genetic evidence.

NM_021969.3(NR0B2):c.41del (p.Ala14fs)

Genes: NR0B2 (nuclear receptor subfamily 0 group B member 2; minus strand), NUDC (nuclear distribution C, dynein complex regulator; plus strand). Cytogenetic location: 1p36.11.
Variant type: Deletion.
Coding change: c.41del on transcript NM_021969.3 (MANE Select); coding-DNA position 41, one base deleted (C; older notation c.41delC).
Protein change: p.Ala14fs; shifts the reading frame from alanine 14.
Molecular consequence: frameshift variant.
Genome position (GRCh38, 1-based): chr1:26,913,900, G deleted on the plus strand (C on the coding strand, the reverse complement: NR0B2 is on the minus strand). VCF-style (leftmost placement, unchanged base first): chr1-26913899-AG-A. GRCh37 (hg19) VCF-style: chr1-27240390-AG-A.
Other names: short protein forms A14fs.
Identifiers: ClinVar variation 3352460 (VCV003352460.2).